The following is an entry in ClinVar:

NM_006206.6(PDGFRA):c.3199A>G (p.Ile1067Val)

Gene: PDGFRA (platelet derived growth factor receptor alpha; plus strand). Cytogenetic location: 4q12.
Variant type: single nucleotide variant.
Coding change: c.3199A>G on transcript NM_006206.6 (MANE Select); coding-DNA position 3199, A replaced by G.
Protein change: p.Ile1067Val; replaces isoleucine 1067 with valine.
Molecular consequence: missense variant.
Genome position (GRCh38, 1-based): chr4:54,295,201, A>G. VCF-style: chr4-54295201-A-G. GRCh37 (hg19) VCF-style: chr4-55161368-A-G.
Other names: c.3274A>G, p.Ile1092Val (NM_001347828.2); c.3199A>G, p.Ile1067Val (NM_001347829.2); c.3238A>G, p.Ile1080Val (NM_001347830.2); short protein forms I1080V, I1067V, I1092V.
Identifiers: ClinVar variation 2987738 (VCV002987738.4), dbSNP rs1321102144, ClinGen allele CA356896608.

ClinVar aggregate classification (germline): Uncertain significance. Review status: criteria provided, multiple submitters, no conflicts (2 of 4 stars). 2 submissions from 2 submitters: Uncertain significance (2). Last evaluated 2025-05-15.

Conditions:
Hereditary cancer-predisposing syndrome. Also called: Neoplastic Syndromes, Hereditary; Hereditary neoplastic syndrome; Tumor predisposition; Hereditary Cancer Syndrome. Identifiers: Orphanet 140162, MedGen C0027672, MeSH D009386, MONDO:0015356.
Gastrointestinal stromal tumor. Also called: Gastrointestinal stromal tumor, somatic; Gastrointestinal stroma tumor. Identifiers: Orphanet 44890, MedGen C0238198, MeSH D046152, MONDO:0011719, OMIM 606764, HP:0100723.

Allele frequency attached by ClinVar (database versions not stated): gnomAD exomes below 0.00001.
gnomAD v4.1: 1 of 1,613,794 alleles (0.000062%); highest among the groups gnomAD compares: Admixed American, 0.0017%; no homozygotes.

Submissions (2):

Ambry Genetics
Classification: Uncertain significance for Hereditary cancer-predisposing syndrome. Last evaluated: 2025-05-15. Review status: criteria provided, single submitter. Criteria: Ambry Variant Classification Scheme 2023. Collection method: clinical testing. Allele origin: germline.
Comment: The p.I1067V variant (also known as c.3199A>G), located in coding exon 22 of the PDGFRA gene, results from an A to G substitution at nucleotide position 3199. The isoleucine at codon 1067 is replaced by valine, an amino acid with highly similar properties. This amino acid position is conserved. In addition, this alteration is predicted to be tolerated by in silico analysis. Based on the available evidence, the clinical significance of this variant remains unclear.

Labcorp Genetics (formerly Invitae), Labcorp
Classification: Uncertain significance for Gastrointestinal stromal tumor. Last evaluated: 2023-12-27. Review status: criteria provided, single submitter. Criteria: Invitae Variant Classification Sherloc (09022015). Collection method: clinical testing. Allele origin: germline.
Comment: This sequence change replaces isoleucine, which is neutral and non-polar, with valine, which is neutral and non-polar, at codon 1067 of the PDGFRA protein (p.Ile1067Val). This variant is present in population databases (no rsID available, gnomAD 0.003%). This variant has not been reported in the literature in individuals affected with PDGFRA-related conditions. An algorithm developed to predict the effect of missense changes on protein structure and function (PolyPhen-2) suggests that this variant is likely to be tolerated. In summary, the available evidence is currently insufficient to determine the role of this variant in disease. Therefore, it has been classified as a Variant of Uncertain Significance.